The following is an entry in ClinVar:

NM_020066.5(FMN2):c.3276C>T (p.Pro1092=)

Gene: FMN2 (formin 2; plus strand). Cytogenetic location: 1q43.
Variant type: single nucleotide variant.
Coding change: c.3276C>T on transcript NM_020066.5 (MANE Select); coding-DNA position 3276, C replaced by T.
Protein change: p.Pro1092=; no amino-acid change (proline 1092 retained).
Molecular consequence: synonymous variant. On other transcripts: intron variant (1).
Genome position (GRCh38, 1-based): chr1:240,208,088, C>T. VCF-style: chr1-240208088-C-T. GRCh37 (hg19) VCF-style: chr1-240371388-C-T.
Other names: c.3288C>T, p.Pro1096= (NM_001305424.2); c.1986+19826C>T (NM_001348094.2); c.3276C>T (NM_020066.4).
Identifiers: ClinVar variation 1879123 (VCV001879123.31), dbSNP rs372592302, ClinGen allele CA1477067.

ClinVar aggregate classification (germline): Likely benign. Review status: criteria provided, multiple submitters, no conflicts (2 of 4 stars). 3 submissions from 3 submitters: Likely benign (2). 1 of the submissions does not count toward it. Last evaluated 2025-11-01.

Conditions:
FMN2-related disorder. Also called: FMN2-related condition.

Allele frequency attached by ClinVar (database versions not stated): gnomAD 0.00016; gnomAD exomes 0.00086; ESP Exome Variant Server 0.00090; ExAC 0.00129; 1000 Genomes Project 0.00200.
gnomAD v4.1: 694 of 869,078 alleles (0.08%); highest among the groups gnomAD compares: Admixed American, 0.14%; 1 homozygote.

Submissions (3):

CeGaT Center for Human Genetics Tuebingen
Classification: Likely benign. Last evaluated: 2025-11-01. Review status: criteria provided, single submitter. Criteria: CeGaT Center For Human Genetics Tuebingen Variant Classification Criteria Version 2. Collection method: clinical testing. Allele origin: germline. Affected: yes. Observed: 7 variant alleles.
Comment: FMN2: BP4, BP7

Blueprint Genetics
Classification: Likely benign. Last evaluated: 2024-11-17. Review status: criteria provided, single submitter. Criteria: ACMG Guidelines, 2015. Collection method: clinical testing. Allele origin: germline.

PreventionGenetics, part of Exact Sciences
Classification: Likely benign for FMN2-related condition. Last evaluated: 2020-04-01. Review status: no assertion criteria provided. Collection method: clinical testing. Allele origin: germline. Not counted in ClinVar's aggregate classification.
Comment: This variant is classified as likely benign based on ACMG/AMP sequence variant interpretation guidelines (Richards et al. 2015 PMID: 25741868, with internal and published modifications).